The following is an entry in ClinVar:

ClinVar aggregate classification (germline): Pathogenic/Likely pathogenic. Review status: criteria provided, multiple submitters, no conflicts (2 of 4 stars). 4 submissions from 4 submitters: Pathogenic (2); Likely pathogenic (2). Last evaluated 2024-06-04.

Conditions:
Fanconi anemia (FA). Also called: Fanconi's anemia. Identifiers: Orphanet 84, MedGen C0015625, MeSH D005199, MONDO:0019391.
Fanconi anemia complementation group A (FANCA). Also called: FANCA-Related Fanconi Anemia; Fanconi anemia, group A. Identifiers: Orphanet 84, MedGen C3469521, MONDO:0009215, OMIM 227650.

Allele frequency attached by ClinVar (database versions not stated): gnomAD 0.00001; TOPMed 0.00001.
gnomAD v4.1: 1 of 1,606,652 alleles (0.000062%); highest among the groups gnomAD compares: African/African-American, 0.0013%; no homozygotes.

Submissions (4):

Fulgent Genetics
Classification: Likely pathogenic for Fanconi anemia complementation group A. Last evaluated: 2024-06-04. Review status: criteria provided, single submitter. Criteria: ACMG Guidelines, 2015. Collection method: clinical testing. Allele origin: germline.

Labcorp Genetics (formerly Invitae), Labcorp
Classification: Likely pathogenic for Fanconi anemia. Last evaluated: 2024-03-15. Review status: criteria provided, single submitter. Criteria: Invitae Variant Classification Sherloc (09022015). Collection method: clinical testing. Allele origin: germline.
Comment: This sequence change affects a donor splice site in intron 27 of the FANCA gene. It is expected to disrupt RNA splicing. Variants that disrupt the donor or acceptor splice site typically lead to a loss of protein function (PMID: 16199547), and loss-of-function variants in FANCA are known to be pathogenic (PMID: 19367192). This variant is present in population databases (no rsID available, gnomAD 0.01%). Disruption of this splice site has been observed in individual(s) with autosomal recessive Fanconi anemia (PMID: 28104920). ClinVar contains an entry for this variant (Variation ID: 435128). Algorithms developed to predict the effect of sequence changes on RNA splicing suggest that this variant may disrupt the consensus splice site. In summary, the currently available evidence indicates that the variant is pathogenic, but additional data are needed to prove that conclusively. Therefore, this variant has been classified as Likely Pathogenic.

Revvity Omics, Revvity
Classification: Pathogenic for Fanconi anemia complementation group A. Last evaluated: 2019-05-07. Review status: criteria provided, single submitter. Criteria: ACMG Guidelines, 2015. Collection method: clinical testing. Allele origin: germline.

Genetic Services Laboratory, University of Chicago
Classification: Pathogenic for Fanconi anemia, complementation group A. Last evaluated: 2016-07-07. Review status: criteria provided, single submitter. Criteria: ACMG Guidelines, 2015. Collection method: clinical testing. Allele origin: germline. Affected: yes.

Literature cited by the submitters: PubMed 16199547 (cited by Labcorp Genetics (formerly Invitae), Labcorp); PubMed 19367192 (cited by Labcorp Genetics (formerly Invitae), Labcorp); PubMed 28104920 (cited by Labcorp Genetics (formerly Invitae), Labcorp).

NM_000135.4(FANCA):c.2601+1G>T

Gene: FANCA (FA complementation group A; minus strand). Cytogenetic location: 16q24.3.
Variant type: single nucleotide variant.
Coding change: c.2601+1G>T on transcript NM_000135.4 (MANE Select); the canonical splice donor site of the intron after coding-DNA position 2601, G replaced by T.
Molecular consequence: splice donor variant.
Genome position (GRCh38, 1-based): chr16:89,767,140, C>A on the plus strand (G>T on the coding strand, the complement: FANCA is on the minus strand). VCF-style: chr16-89767140-C-A. GRCh37 (hg19) VCF-style: chr16-89833548-C-A.
Other names: c.2601+1G>T (NM_001286167.3).
Identifiers: ClinVar variation 435128 (VCV000435128.18), dbSNP rs1188581065, ClinGen allele CA397440342.